The following is an entry in ClinVar:

ClinVar aggregate classification (germline): Conflicting classifications of pathogenicity. Review status: criteria provided, conflicting classifications (1 of 4 stars). 2 submissions from 2 submitters: Uncertain significance (1); Likely benign (1). Last evaluated 2025-08-30.

Conditions:
Inborn genetic diseases. Identifiers: MedGen C0950123, MeSH D030342.

Allele frequency attached by ClinVar (database versions not stated): gnomAD 0.00001; TOPMed 0.00003; ExAC 0.00004.
gnomAD v4.1: 30 of 1,613,936 alleles (0.0019%); highest among the groups gnomAD compares: Admixed American, 0.03%; no homozygotes.

Submissions (2):

Ambry Genetics
Classification: Likely benign for Inborn genetic diseases. Last evaluated: 2025-08-30. Review status: criteria provided, single submitter. Criteria: Ambry Variant Classification Scheme 2023. Collection method: clinical testing. Allele origin: germline.

Labcorp Genetics (formerly Invitae), Labcorp
Classification: Uncertain significance. Last evaluated: 2025-08-18. Review status: criteria provided, single submitter. Criteria: Invitae Variant Classification Sherloc (09022015). Collection method: clinical testing. Allele origin: germline.
Comment: This sequence change replaces arginine, which is basic and polar, with glutamine, which is neutral and polar, at codon 2284 of the ANK3 protein (p.Arg2284Gln). This variant is present in population databases (rs767414907, gnomAD 0.03%). This variant has not been reported in the literature in individuals affected with ANK3-related conditions. ClinVar contains an entry for this variant (Variation ID: 2158271). An algorithm developed to predict the effect of missense changes on protein structure and function (PolyPhen-2) suggests that this variant is likely to be disruptive. In summary, the available evidence is currently insufficient to determine the role of this variant in disease. Therefore, it has been classified as a Variant of Uncertain Significance.

NM_020987.5(ANK3):c.6851G>A (p.Arg2284Gln)

Genes: ANK3 (ankyrin 3; minus strand), LOC130003862 (ATAC-STARR-seq lymphoblastoid active region 3393; plus strand). Cytogenetic location: 10q21.2.
Variant type: single nucleotide variant.
Coding change: c.6851G>A on transcript NM_020987.5 (MANE Select); coding-DNA position 6851, G replaced by A.
Protein change: p.Arg2284Gln; replaces arginine 2284 with glutamine.
Molecular consequence: missense variant. On other transcripts: intron variant (4).
Genome position (GRCh38, 1-based): chr10:60,074,030, C>T on the plus strand (G>A on the coding strand, the complement: ANK3 is on the minus strand). VCF-style: chr10-60074030-C-T. GRCh37 (hg19) VCF-style: chr10-61833788-C-T.
Other names: c.4388-6021G>A (NM_001204403.2); c.4409-6021G>A (NM_001204404.2); c.4406-6021G>A (NM_001320874.2); c.1808-6021G>A (NM_001149.4); c.6851G>A (NM_020987.3); short protein forms R2284Q.
Identifiers: ClinVar variation 2158271 (VCV002158271.5), dbSNP rs767414907, ClinGen allele CA5511801.
Genomic context (GRCh38, chr10:60,074,030, plus strand): 5'-ACATCTGGAGACACTGCCGACTTATGTTCAAACAGACCTGCCAGTTCTTTGGAAGGATCC[C>T]GCCCGGACTGAAAGGCCTTCATGATGTCATGGACTGACATGGTTTCTTCAATTCTTTCAG-3'
Protein context (NP_066267.2, residues 2274-2294): HDIMKAFQSG[Arg2284Gln]DPSKELAGLF